The following is an entry in ClinVar:

ClinVar aggregate classification (germline): Uncertain significance (1 of 4 stars; one submission).

Conditions:
Neuroblastoma, susceptibility to, 3. Also called: ALK-Related Neuroblastic Tumor Susceptibility. Identifiers: Orphanet 635, MedGen C2751681, MONDO:0013083, OMIM 613014.

Submission:

Labcorp Genetics (formerly Invitae), Labcorp
Classification: Uncertain significance for Neuroblastoma, susceptibility to, 3. Last evaluated: 2023-04-25. Review status: criteria provided, single submitter. Criteria: Invitae Variant Classification Sherloc (09022015). Collection method: clinical testing. Allele origin: germline.
Comment: This variant has not been reported in the literature in individuals affected with ALK-related conditions. This variant is not present in population databases (gnomAD no frequency). This sequence change replaces glutamic acid, which is acidic and polar, with lysine, which is basic and polar, at codon 1167 of the ALK protein (p.Glu1167Lys). An algorithm developed to predict the effect of missense changes on protein structure and function (PolyPhen-2) suggests that this variant is likely to be disruptive. In summary, the available evidence is currently insufficient to determine the role of this variant in disease. Therefore, it has been classified as a Variant of Uncertain Significance.

NM_004304.5(ALK):c.3499G>A (p.Glu1167Lys)

Gene: ALK (ALK receptor tyrosine kinase; minus strand). Cytogenetic location: 2p23.2.
Variant type: single nucleotide variant.
Coding change: c.3499G>A on transcript NM_004304.5 (MANE Select); coding-DNA position 3499, G replaced by A.
Protein change: p.Glu1167Lys; replaces glutamic acid 1167 with lysine.
Molecular consequence: missense variant.
Genome position (GRCh38, 1-based): chr2:29,222,360, C>T on the plus strand (G>A on the coding strand, the complement: ALK is on the minus strand). VCF-style: chr2-29222360-C-T. GRCh37 (hg19) VCF-style: chr2-29445226-C-T.
Other names: c.295G>A, p.Glu99Lys (NM_001353765.2); short protein forms E1167K, E99K.
Identifiers: ClinVar variation 2791971 (VCV002791971.3), dbSNP rs2465951152, ClinGen allele CA346462978.
Genomic context (GRCh38, chr2:29,222,360, plus strand): 5'-GGGCAGAGGGGAGTTGGGGTGAGGGTGTCTCTCTGTGGCTTTACCTGATGATCAGGGCTT[C>T]CATGAGGAAATCCAGTTCGTCCTGTTCAGAGCACACTTCAGGCAGCGTCTGGGCAGAGAA-3'
Protein context (NP_004295.2, residues 1157-1177): SEQDELDFLM[Glu1167Lys]ALIISKFNHQ